The following is an entry in ClinVar:

NM_001130987.2(DYSF):c.5086G>A (p.Glu1696Lys)

Gene: DYSF (dysferlin; plus strand). Cytogenetic location: 2p13.2.
Variant type: single nucleotide variant.
Coding change: c.5086G>A on transcript NM_001130987.2 (MANE Select); coding-DNA position 5086, G replaced by A.
Protein change: p.Glu1696Lys; replaces glutamic acid 1696 with lysine.
Molecular consequence: missense variant.
Genome position (GRCh38, 1-based): chr2:71,664,350, G>A. VCF-style: chr2-71664350-G-A. GRCh37 (hg19) VCF-style: chr2-71891480-G-A.
Other names: c.4969G>A (NM_003494.3); c.4972G>A, p.Glu1658Lys (NM_001130455.2); c.4927G>A, p.Glu1643Lys (NM_001130976.2); c.4990G>A, p.Glu1664Lys (NM_001130977.2); c.5032G>A, p.Glu1678Lys (NM_001130978.2); c.5062G>A, p.Glu1688Lys (NM_001130979.2); c.5020G>A, p.Glu1674Lys (NM_001130980.2); c.5083G>A, p.Glu1695Lys (NM_001130981.2); and 6 more; short protein forms E1664K, E1679K, E1695K, E1643K, E1689K, E1658K, E1674K, E1688K.
Identifiers: ClinVar variation 2011334 (VCV002011334.7), dbSNP rs368142107, ClinGen allele CA1707238.

ClinVar aggregate classification (germline): Conflicting classifications of pathogenicity. Review status: criteria provided, conflicting classifications (1 of 4 stars). 5 submissions from 5 submitters: Likely pathogenic (2); Uncertain significance (3). Last evaluated 2025-08-20.

Conditions:
DYSF-related disorder. Also called: DYSF-related condition; DYSF-related disorders.
Miyoshi muscular dystrophy 1 (MMD1). Identifiers: Orphanet 45448, MedGen C4551973, MONDO:0024545, OMIM 254130.
Distal myopathy with anterior tibial onset. Identifiers: Orphanet 178400, MedGen C1847532, MONDO:0011721, OMIM 606768.
Autosomal recessive limb-girdle muscular dystrophy type 2B (LGMDR2). Also called: Limb-Girdle Muscular Dystrophy Type 2B (LGMD2B); MUSCULAR DYSTROPHY, LIMB-GIRDLE, TYPE 3; Limb-girdle muscular dystrophy, type 2B; MUSCULAR DYSTROPHY, LIMB-GIRDLE, AUTOSOMAL RECESSIVE 2. Identifiers: Orphanet 268, MedGen C1850889, MONDO:0009676, OMIM 253601.
Neuromuscular disease caused by qualitative or quantitative defects of dysferlin. Also called: Qualitative or quantitative defects of dysferlin; Dysferlinopathy. Identifiers: Orphanet 207073, MedGen C2931687, MONDO:0016145.
Autosomal recessive limb-girdle muscular dystrophy. Identifiers: Orphanet 102015, MedGen C2931907, MONDO:0015152.

Allele frequency attached by ClinVar (database versions not stated): TOPMed 0.00005; ESP Exome Variant Server 0.00008.
gnomAD v4.1: 60 of 1,614,082 alleles (0.0037%); highest among the groups gnomAD compares: Non-Finnish European, 0.0047%; no homozygotes.

Submissions (5):

Myriad Genetics, Inc.
Classification: Uncertain significance for Autosomal recessive limb-girdle muscular dystrophy. Last evaluated: 2025-08-20. Review status: criteria provided, single submitter. Criteria: Myriad Autosomal Dominant, Autosomal Recessive and X-Linked Classification Criteria (2023). Collection method: clinical testing. Allele origin: unknown.
Comment: NM_003494.3(DYSF):c.4969G>A(E1657K) is a missense variant classified as a variant of uncertain significance in the context of dysferlinopathy. E1657K has been observed in a case with relevant disease (PMID: 17070050). Relevant functional assessments of this variant are not available in the literature. E1657K has been observed in referenced population frequency databases. In summary, there is insufficient evidence to classify NM_003494.3(DYSF):c.4969G>A(E1657K) as pathogenic or benign. Please note: this variant was assessed in the context of healthy population screening.

PreventionGenetics, part of Exact Sciences
Classification: Uncertain significance for DYSF-related condition. Last evaluated: 2025-03-12. Review status: criteria provided, single submitter. Criteria: ACMG Guidelines, 2015. Collection method: clinical testing. Allele origin: germline.
Comment: The DYSF c.4969G>A variant is predicted to result in the amino acid substitution p.Glu1657Lys. This variant has been reported with a loss-of-function variant in an individual with limb girdle muscular dystrophy type 2B (De Luna et al. 2007. PubMed ID: 17070050). This variant is reported in 0.0062% of alleles in individuals of African descent in gnomAD. At this time, the clinical significance of this variant is uncertain due to the absence of conclusive functional and genetic evidence.

Fulgent Genetics
Classification: Likely pathogenic for Autosomal recessive limb-girdle muscular dystrophy type 2B; Miyoshi muscular dystrophy 1; Distal myopathy with anterior tibial onset. Last evaluated: 2024-06-16. Review status: criteria provided, single submitter. Criteria: ACMG Guidelines, 2015. Collection method: clinical testing. Allele origin: germline.

Labcorp Genetics (formerly Invitae), Labcorp
Classification: Likely pathogenic for Neuromuscular disease caused by qualitative or quantitative defects of dysferlin. Last evaluated: 2024-05-14. Review status: criteria provided, single submitter. Criteria: Invitae Variant Classification Sherloc (09022015). Collection method: clinical testing. Allele origin: germline.
Comment: This sequence change replaces glutamic acid, which is acidic and polar, with lysine, which is basic and polar, at codon 1657 of the DYSF protein (p.Glu1657Lys). This variant is present in population databases (rs368142107, gnomAD 0.007%). This missense change has been observed in individual(s) with DYSF-related conditions (PMID: 17070050). This variant is also known as c.5338G>A. ClinVar contains an entry for this variant (Variation ID: 2011334). Advanced modeling of protein sequence and biophysical properties (such as structural, functional, and spatial information, amino acid conservation, physicochemical variation, residue mobility, and thermodynamic stability) performed at Invitae indicates that this missense variant is not expected to disrupt DYSF protein function with a negative predictive value of 80%. In summary, the currently available evidence indicates that the variant is pathogenic, but additional data are needed to prove that conclusively. Therefore, this variant has been classified as Likely Pathogenic.

GeneDx
Classification: Uncertain significance. Last evaluated: 2023-08-21. Review status: criteria provided, single submitter. Criteria: GeneDx Variant Classification Process June 2021. Collection method: clinical testing. Allele origin: germline. Affected: yes.
Comment: Reported with a second variant in the DYSF gene in a patient with limb-girdle muscular dystrophy 2B in published literature; however, segregation information was not provided (De Luna et al., 2007); Not observed at significant frequency in large population cohorts (gnomAD); In silico analysis supports that this missense variant has a deleterious effect on protein structure/function; This variant is associated with the following publications: (PMID: 34426522, 24438169, 17070050)

Literature cited by the submitters: PubMed 17070050 (cited by Myriad Genetics, Inc. and Labcorp Genetics (formerly Invitae), Labcorp).